The following is an entry in ClinVar:

ClinVar aggregate classification (germline): Uncertain significance (1 of 4 stars; one submission).

Allele frequency attached by ClinVar (database versions not stated): ExAC 0.00001.
gnomAD v4.1: 10 of 1,194,778 alleles (0.00084%); highest among the groups gnomAD compares: East Asian, 0.0031%; no homozygotes.

Submission:

Labcorp Genetics (formerly Invitae), Labcorp
Classification: Uncertain significance. Last evaluated: 2024-11-18. Review status: criteria provided, single submitter. Criteria: Invitae Variant Classification Sherloc (09022015). Collection method: clinical testing. Allele origin: germline.
Comment: This sequence change replaces threonine, which is neutral and polar, with methionine, which is neutral and non-polar, at codon 917 of the TMPRSS15 protein (p.Thr917Met). The frequency data for this variant in the population databases is considered unreliable, as metrics indicate poor data quality at this position in the gnomAD database. This variant has not been reported in the literature in individuals affected with TMPRSS15-related conditions. ClinVar contains an entry for this variant (Variation ID: 2417028). An algorithm developed to predict the effect of missense changes on protein structure and function (PolyPhen-2) suggests that this variant is likely to be tolerated. In summary, the available evidence is currently insufficient to determine the role of this variant in disease. Therefore, it has been classified as a Variant of Uncertain Significance.

NM_002772.3(TMPRSS15):c.2750C>T (p.Thr917Met)

Gene: TMPRSS15 (transmembrane serine protease 15; minus strand). Cytogenetic location: 21q21.1.
Variant type: single nucleotide variant.
Coding change: c.2750C>T on transcript NM_002772.3 (MANE Select); coding-DNA position 2750, C replaced by T.
Protein change: p.Thr917Met; replaces threonine 917 with methionine.
Molecular consequence: missense variant.
Genome position (GRCh38, 1-based): chr21:18,278,978, G>A on the plus strand (C>T on the coding strand, the complement: TMPRSS15 is on the minus strand). VCF-style: chr21-18278978-G-A. GRCh37 (hg19) VCF-style: chr21-19651295-G-A.
Other names: short protein forms T917M.
Identifiers: ClinVar variation 2417028 (VCV002417028.6), dbSNP rs778496939, ClinGen allele CA9983937.